The following is an entry in ClinVar:

ClinVar aggregate classification (germline): Benign. Review status: criteria provided, multiple submitters, no conflicts (2 of 4 stars). 2 submissions from 2 submitters: Benign (2). Last evaluated 2018-01-13.

Conditions:
Isolated focal non-epidermolytic palmoplantar keratoderma. Also called: Palmoplantar keratoderma, nonepidermolytic, focal 2. Identifiers: Orphanet 448264, MedGen C4225339, MONDO:0014622, OMIM 616400.

Allele frequency attached by ClinVar (database versions not stated): gnomAD 0.94367 and 0.94736; 1000 Genomes Project 0.94509; gnomAD exomes 1.00000; TOPMed 0.93975; 1000 Genomes Project 30x 0.94082.
gnomAD v4.1: 144,383 of 152,318 alleles (95%); highest among the groups gnomAD compares: East Asian, 100%; 68,892 homozygotes.

Submissions (2):

Illumina Laboratory Services, Illumina
Classification: Benign for Isolated focal non-epidermolytic palmoplantar keratoderma. Last evaluated: 2018-01-13. Review status: criteria provided, single submitter. Criteria: ICSL Variant Classification Criteria 13 December 2019. Collection method: clinical testing. Allele origin: germline.
Comment: This variant was observed in the ICSL laboratory as part of a predisposition screen in an ostensibly healthy population. It had not been previously curated by ICSL or reported in the Human Gene Mutation Database (HGMD: prior to June 1st, 2018), and was therefore a candidate for classification through an automated scoring system. Utilizing variant allele frequency, disease prevalence and penetrance estimates, and inheritance mode, an automated score was calculated to assess if this variant is too frequent to cause the disease. Based on the score and internal cut-off values, a variant classified as benign is not then subjected to further curation. The score for this variant resulted in a classification of benign for this disease.

Breakthrough Genomics
Classification: Benign. Review status: criteria provided, single submitter. Criteria: ACMG Guidelines, 2015. Collection method: not provided. Allele origin: germline. Inheritance: Autosomal dominant inheritance. Affected: yes.

NM_145068.4(TRPV3):c.*1841C>A

Genes: SPATA22 (spermatogenesis associated 22; minus strand), TRPV3 (transient receptor potential cation channel subfamily V member 3; minus strand). Cytogenetic location: 17p13.2.
Variant type: single nucleotide variant.
Coding change: c.*1841C>A on transcript NM_145068.4 (MANE Select); 1841 bases downstream of the stop codon, C replaced by A.
Molecular consequence: 3 prime UTR variant. On other transcripts: intron variant (2).
Genome position (GRCh38, 1-based): chr17:3,512,076, G>T on the plus strand (C>A on the coding strand, the complement: TRPV3 is on the minus strand). VCF-style: chr17-3512076-G-T. GRCh37 (hg19) VCF-style: chr17-3415370-G-T.
Other names: c.*1841C>A (NM_001258205.2); c.-74+1336C>A (NM_001321336.2, NM_001321337.2).
Identifiers: ClinVar variation 322709 (VCV000322709.8), dbSNP rs2087892, ClinGen allele CA10649036.
Genomic context (GRCh38, chr17:3,512,076, plus strand): 5'-CTAAAAGGGACCTTAAACTTCTTCCAATGACCATTTTCAACAACATTCCTCATTAAGTGC[G>T]CAACCAGCTTCTGCTTAAACATCTCCAACATCTGGAGCAGTTGCTGGATTCTGTTGAGCC-3'